The following is an entry in ClinVar:

NM_000213.5(ITGB4):c.2788C>T (p.Arg930Trp)

Gene: ITGB4 (integrin subunit beta 4; plus strand). Cytogenetic location: 17q25.1.
Variant type: single nucleotide variant.
Coding change: c.2788C>T on transcript NM_000213.5 (MANE Select); coding-DNA position 2788, C replaced by T.
Protein change: p.Arg930Trp; replaces arginine 930 with tryptophan.
Molecular consequence: missense variant.
Genome position (GRCh38, 1-based): chr17:75,742,587, C>T. VCF-style: chr17-75742587-C-T. GRCh37 (hg19) VCF-style: chr17-73738668-C-T.
Other names: c.2788C>T, p.Arg930Trp (NM_001005619.2, NM_001005731.3, NM_001321123.2); c.2788C>T (NM_000213.4); short protein forms R930W.
Identifiers: ClinVar variation 2192235 (VCV002192235.5), dbSNP rs548339809, ClinGen allele CA8769590.
Genomic context (GRCh38, chr17:75,742,587, plus strand): 5'-TCCCGCCTGTGTGGCCCTGTGACCCACCTCTGACCACCTCCGAACCCCCACCCAGACGCC[C>T]GGGGCATGGTGGAGTTCCAGGAGGGCGTGGAGCTGGTGGACGTACGGGTGCCCCTCTTTA-3'
Protein context (NP_000204.3, residues 920-940): YYTLTADQDA[Arg930Trp]GMVEFQEGVE

ClinVar aggregate classification (germline): Conflicting classifications of pathogenicity. Review status: criteria provided, conflicting classifications (1 of 4 stars). 5 submissions from 5 submitters: Uncertain significance (4); Likely benign (1). Last evaluated 2026-07-01.

Conditions:
Junctional epidermolysis bullosa with pyloric atresia. Also called: EB-PA-ACC; ITGB4-Related Epidermolysis Bullosa with Pyloric Atresia; Epidermolysis bullosa, junctional, with pyloric atresia and aplasia cutis congenita; Epidermolysis bullosa junctionalis with pyloric atresia; APLASIA CUTIS CONGENITA WITH GASTROINTESTINAL ATRESIA; CARMI SYNDROME. Identifiers: Orphanet 79403, MedGen C5676875, MONDO:0009183, OMIM 226730.
Epidermolysis bullosa, junctional 5A, intermediate. Also called: EPIDERMOLYSIS BULLOSA, JUNCTIONAL 5A, GENERALIZED INTERMEDIATE; EPIDERMOLYSIS BULLOSA, JUNCTIONAL 5A, NON-HERLITZ TYPE. Identifiers: MedGen C5676956, MONDO:0030768, OMIM 619816.
Inborn genetic diseases. Identifiers: MedGen C0950123, MeSH D030342.
ITGB4-related disorder. Also called: ITGB4-related condition.

Allele frequency attached by ClinVar (database versions not stated): TOPMed 0.00003; gnomAD 0.00005; ExAC 0.00008; 1000 Genomes Project 30x 0.00031; 1000 Genomes Project 0.00040.
gnomAD v4.1: 73 of 1,613,924 alleles (0.0045%); highest among the groups gnomAD compares: South Asian, 0.016%; no homozygotes.

Submissions (5):

CeGaT Center for Human Genetics Tuebingen
Classification: Likely benign. Last evaluated: 2026-07-01. Review status: criteria provided, single submitter. Criteria: CeGaT Center For Human Genetics Tuebingen Variant Classification Criteria Version 2. Collection method: clinical testing. Allele origin: germline. Affected: yes. Observed: 1 variant allele.
Comment: ITGB4: BP4

PreventionGenetics, part of Exact Sciences
Classification: Uncertain significance for ITGB4-related condition. Last evaluated: 2025-12-12. Review status: criteria provided, single submitter. Criteria: ACMG Guidelines, 2015. Collection method: clinical testing. Allele origin: germline.
Comment: The ITGB4 c.2788C>T variant is predicted to result in the amino acid substitution p.Arg930Trp. To our knowledge, this variant has not been reported in the literature. This variant is reported in 0.013% of alleles in individuals of South Asian descent in gnomAD. At this time, the clinical significance of this variant is uncertain due to the absence of conclusive functional and genetic evidence.

Fulgent Genetics
Classification: Uncertain significance for Junctional epidermolysis bullosa with pyloric atresia; Epidermolysis bullosa, junctional 5A, intermediate. Last evaluated: 2024-04-05. Review status: criteria provided, single submitter. Criteria: ACMG Guidelines, 2015. Collection method: clinical testing. Allele origin: germline.

Labcorp Genetics (formerly Invitae), Labcorp
Classification: Uncertain significance. Last evaluated: 2022-07-25. Review status: criteria provided, single submitter. Criteria: Invitae Variant Classification Sherloc (09022015). Collection method: clinical testing. Allele origin: germline.
Comment: This sequence change replaces arginine, which is basic and polar, with tryptophan, which is neutral and slightly polar, at codon 930 of the ITGB4 protein (p.Arg930Trp). This variant is present in population databases (rs548339809, gnomAD 0.02%). This variant has not been reported in the literature in individuals affected with ITGB4-related conditions. Algorithms developed to predict the effect of missense changes on protein structure and function are either unavailable or do not agree on the potential impact of this missense change (SIFT: "Not Available"; PolyPhen-2: "Possibly Damaging"; Align-GVGD: "Not Available"). In summary, the available evidence is currently insufficient to determine the role of this variant in disease. Therefore, it has been classified as a Variant of Uncertain Significance.

Ambry Genetics
Classification: Uncertain significance for Inborn genetic diseases. Last evaluated: 2021-10-27. Review status: criteria provided, single submitter. Criteria: Ambry Variant Classification Scheme 2023. Collection method: clinical testing. Allele origin: germline.